The following is an entry in ClinVar:

ClinVar aggregate classification (germline): Uncertain significance (1 of 4 stars; one submission).

Conditions:
Ehlers-Danlos syndrome, classic type, 1 (EDSCL1). Also called: EHLERS-DANLOS SYNDROME, GRAVIS TYPE; EHLERS-DANLOS SYNDROME, SEVERE CLASSIC TYPE; Ehlers-Danlos syndrome, type 1; Ehlers-Danlos Syndrome, Classic Type, COL5A1-Related; EDS I. Identifiers: MedGen C0268335, MONDO:0019567, OMIM 130000.

gnomAD v4.1: 1 of 1,613,818 alleles (0.000062%); highest among the groups gnomAD compares: East Asian, 0.0022%; no homozygotes.

Submission:

Labcorp Genetics (formerly Invitae), Labcorp
Classification: Uncertain significance for Ehlers-Danlos syndrome, classic type, 1. Last evaluated: 2024-03-13. Review status: criteria provided, single submitter. Criteria: Invitae Variant Classification Sherloc (09022015). Collection method: clinical testing. Allele origin: germline.
Comment: This sequence change replaces proline, which is neutral and non-polar, with leucine, which is neutral and non-polar, at codon 923 of the COL5A1 protein (p.Pro923Leu). This variant is not present in population databases (gnomAD no frequency). This missense change has been observed in individual(s) with clinical features of COL5A11-related conditions (PMID: 34041919). Advanced modeling of protein sequence and biophysical properties (such as structural, functional, and spatial information, amino acid conservation, physicochemical variation, residue mobility, and thermodynamic stability) performed at Invitae indicates that this missense variant is not expected to disrupt COL5A1 protein function with a negative predictive value of 95%. In summary, the available evidence is currently insufficient to determine the role of this variant in disease. Therefore, it has been classified as a Variant of Uncertain Significance.

Literature cited by the submitters: PubMed 34041919.

NM_000093.5(COL5A1):c.2768C>T (p.Pro923Leu)

Gene: COL5A1 (collagen type V alpha 1 chain; plus strand). Cytogenetic location: 9q34.3.
Variant type: single nucleotide variant.
Coding change: c.2768C>T on transcript NM_000093.5 (MANE Select); coding-DNA position 2768, C replaced by T.
Protein change: p.Pro923Leu; replaces proline 923 with leucine.
Molecular consequence: missense variant.
Genome position (GRCh38, 1-based): chr9:134,795,284, C>T. VCF-style: chr9-134795284-C-T. GRCh37 (hg19) VCF-style: chr9-137687130-C-T.
Other names: c.2768C>T, p.Pro923Leu (NM_001278074.1); short protein forms P923L.
Identifiers: ClinVar variation 3705470 (VCV003705470.2).